The following is an entry in ClinVar:

NM_005559.4(LAMA1):c.7220A>G (p.Tyr2407Cys)

Gene: LAMA1 (laminin subunit alpha 1; minus strand). Cytogenetic location: 18p11.31.
Variant type: single nucleotide variant.
Coding change: c.7220A>G on transcript NM_005559.4 (MANE Select); coding-DNA position 7220, A replaced by G.
Protein change: p.Tyr2407Cys; replaces tyrosine 2407 with cysteine.
Molecular consequence: missense variant.
Genome position (GRCh38, 1-based): chr18:6,964,779, T>C on the plus strand (A>G on the coding strand, the complement: LAMA1 is on the minus strand). VCF-style: chr18-6964779-T-C. GRCh37 (hg19) VCF-style: chr18-6964778-T-C.
Other names: c.7220A>G (NM_005559.3); short protein forms Y2407C.
Identifiers: ClinVar variation 1482515 (VCV001482515.9), dbSNP rs199811630, ClinGen allele CA8880962.

ClinVar aggregate classification (germline): Uncertain significance. Review status: criteria provided, multiple submitters, no conflicts (2 of 4 stars). 4 submissions from 4 submitters: Uncertain significance (4). Last evaluated 2025-04-01.

Conditions:
Ataxia - intellectual disability - oculomotor apraxia - cerebellar cysts syndrome. Also called: Poretti-Boltshauser syndrome. Identifiers: Orphanet 370022, MedGen C4014821, MONDO:0014419, OMIM 615960.

Allele frequency attached by ClinVar (database versions not stated): ExAC 0.00008; gnomAD exomes 0.00012; TOPMed 0.00012; gnomAD 0.00013; 1000 Genomes Project 30x 0.00016; ESP Exome Variant Server 0.00031.
gnomAD v4.1: 191 of 1,614,120 alleles (0.012%); highest among the groups gnomAD compares: Non-Finnish European, 0.014%; no homozygotes.

Submissions (4):

GeneDx
Classification: Uncertain significance. Last evaluated: 2025-04-01. Review status: criteria provided, single submitter. Criteria: GeneDx Variant Classification Process June 2021. Collection method: clinical testing. Allele origin: germline. Affected: yes.
Comment: In silico analysis supports that this missense variant has a deleterious effect on protein structure/function; Has not been previously published as pathogenic or benign to our knowledge; This variant is associated with the following publications: (PMID: 27535533)

Blueprint Genetics
Classification: Uncertain significance. Last evaluated: 2024-09-24. Review status: criteria provided, single submitter. Criteria: ACMG Guidelines, 2015. Collection method: clinical testing. Allele origin: germline.

Fulgent Genetics
Classification: Uncertain significance for Ataxia - intellectual disability - oculomotor apraxia - cerebellar cysts syndrome. Last evaluated: 2024-05-31. Review status: criteria provided, single submitter. Criteria: ACMG Guidelines, 2015. Collection method: clinical testing. Allele origin: germline.

Labcorp Genetics (formerly Invitae), Labcorp
Classification: Uncertain significance. Last evaluated: 2021-12-03. Review status: criteria provided, single submitter. Criteria: Invitae Variant Classification Sherloc (09022015). Collection method: clinical testing. Allele origin: germline.
Comment: This sequence change replaces tyrosine, which is neutral and polar, with cysteine, which is neutral and slightly polar, at codon 2407 of the LAMA1 protein (p.Tyr2407Cys). This variant is present in population databases (rs199811630, gnomAD 0.04%). This variant has not been reported in the literature in individuals affected with LAMA1-related conditions. Algorithms developed to predict the effect of missense changes on protein structure and function are either unavailable or do not agree on the potential impact of this missense change (SIFT: "Tolerated"; PolyPhen-2: "Probably Damaging"; Align-GVGD: "Class C0"). In summary, the available evidence is currently insufficient to determine the role of this variant in disease. Therefore, it has been classified as a Variant of Uncertain Significance.